The following is an entry in ClinVar:

NM_181486.4(TBX5):c.188T>G (p.Leu63Arg)

Gene: TBX5 (T-box transcription factor 5; minus strand). Cytogenetic location: 12q24.21.
Variant type: single nucleotide variant.
Coding change: c.188T>G on transcript NM_181486.4 (MANE Select); coding-DNA position 188, T replaced by G.
Protein change: p.Leu63Arg; replaces leucine 63 with arginine.
Molecular consequence: missense variant.
Genome position (GRCh38, 1-based): chr12:114,401,880, A>C on the plus strand (T>G on the coding strand, the complement: TBX5 is on the minus strand). VCF-style: chr12-114401880-A-C. GRCh37 (hg19) VCF-style: chr12-114839685-A-C.
Other names: c.188T>G, p.Leu63Arg (NM_000192.3); c.38T>G, p.Leu13Arg (NM_080717.4); short protein forms L13R, L63R.
Identifiers: ClinVar variation 2096683 (VCV002096683.4), dbSNP rs2540475324, ClinGen allele CA386863172.

ClinVar aggregate classification (germline): Uncertain significance (1 of 4 stars; one submission).

Conditions:
Aortic valve disease 2 (AOVD2). Identifiers: MedGen C3542024, MONDO:0013902, OMIM 614823.

Submission:

Labcorp Genetics (formerly Invitae), Labcorp
Classification: Uncertain significance for Aortic valve disease 2. Last evaluated: 2022-02-11. Review status: criteria provided, single submitter. Criteria: Invitae Variant Classification Sherloc (09022015). Collection method: clinical testing. Allele origin: germline.
Comment: In summary, the available evidence is currently insufficient to determine the role of this variant in disease. Therefore, it has been classified as a Variant of Uncertain Significance. Advanced modeling of protein sequence and biophysical properties (such as structural, functional, and spatial information, amino acid conservation, physicochemical variation, residue mobility, and thermodynamic stability) performed at Invitae indicates that this missense variant is expected to disrupt TBX5 protein function. This variant has not been reported in the literature in individuals affected with TBX5-related conditions. This variant is not present in population databases (gnomAD no frequency). This sequence change replaces leucine, which is neutral and non-polar, with arginine, which is basic and polar, at codon 63 of the TBX5 protein (p.Leu63Arg).